The following is an entry in ClinVar:

ClinVar aggregate classification (germline): Likely benign (0 of 4 stars; one submission).

Conditions:
ERCC4-related disorder. Also called: ERCC4-related condition.

Allele frequency attached by ClinVar (database versions not stated): gnomAD 0.00001; TOPMed 0.00001; gnomAD exomes 0.00002.
gnomAD v4.1: 29 of 1,610,164 alleles (0.0018%); highest among the groups gnomAD compares: Non-Finnish European, 0.0024%; no homozygotes.

Submission:

PreventionGenetics, part of Exact Sciences
Classification: Likely benign for ERCC4-related condition. Last evaluated: 2022-02-01. Review status: no assertion criteria provided. Collection method: clinical testing. Allele origin: germline.
Comment: This variant is classified as likely benign based on ACMG/AMP sequence variant interpretation guidelines (Richards et al. 2015 PMID: 25741868, with internal and published modifications).

NM_005236.3(ERCC4):c.1890T>C (p.Phe630=)

Gene: ERCC4 (ERCC excision repair 4, endonuclease catalytic subunit; plus strand). Cytogenetic location: 16p13.12.
Variant type: single nucleotide variant.
Coding change: c.1890T>C on transcript NM_005236.3 (MANE Select); coding-DNA position 1890, T replaced by C.
Protein change: p.Phe630=; no amino-acid change (phenylalanine 630 retained).
Molecular consequence: synonymous variant.
Genome position (GRCh38, 1-based): chr16:13,937,844, T>C. VCF-style: chr16-13937844-T-C. GRCh37 (hg19) VCF-style: chr16-14031701-T-C.
Identifiers: ClinVar variation 3061456 (VCV003061456.2), dbSNP rs1028415080, ClinGen allele CA278474118.